The following is an entry in ClinVar:

ClinVar aggregate classification (germline): Likely pathogenic. Review status: criteria provided, multiple submitters, no conflicts (2 of 4 stars). 2 submissions from 2 submitters: Likely pathogenic (2). Last evaluated 2025-05-12.

Conditions:
Hereditary cancer-predisposing syndrome. Also called: Hereditary Cancer Syndrome; Hereditary neoplastic syndrome; Neoplastic Syndromes, Hereditary; Tumor predisposition. Identifiers: Orphanet 140162, MedGen C0027672, MeSH D009386, MONDO:0015356.
Rhabdoid tumor predisposition syndrome 2 (RTPS2). Identifiers: Orphanet 231108, Orphanet 69077, MedGen C2750074, MONDO:0013224, OMIM 613325.

Submissions (2):

Labcorp Genetics (formerly Invitae), Labcorp
Classification: Likely pathogenic for Rhabdoid tumor predisposition syndrome 2. Last evaluated: 2025-05-12. Review status: criteria provided, single submitter. Criteria: Invitae Variant Classification Sherloc (09022015). Collection method: clinical testing. Allele origin: germline.
Comment: This sequence change affects a donor splice site in intron 25 of the SMARCA4 gene. It is expected to disrupt RNA splicing. Variants that disrupt the donor or acceptor splice site typically lead to a loss of protein function (PMID: 16199547), and loss-of-function variants in SMARCA4 are known to be pathogenic (PMID: 24658001, 24658002). This variant is not present in population databases (gnomAD no frequency). This variant has not been reported in the literature in individuals affected with SMARCA4-related conditions. ClinVar contains an entry for this variant (Variation ID: 1065963). Algorithms developed to predict the effect of sequence changes on RNA splicing suggest that this variant may disrupt the consensus splice site. In summary, the currently available evidence indicates that the variant is pathogenic, but additional data are needed to prove that conclusively. Therefore, this variant has been classified as Likely Pathogenic.

Ambry Genetics
Classification: Likely pathogenic for Hereditary cancer-predisposing syndrome. Last evaluated: 2020-02-28. Review status: criteria provided, single submitter. Criteria: Ambry Variant Classification Scheme 2023. Collection method: clinical testing. Allele origin: germline.
Comment: The c.3546+1G>A intronic variant results from a G to A substitution one nucleotide after coding exon 24 of the SMARCA4 gene. This nucleotide position is highly conserved in available vertebrate species. Using the BDGP and ESEfinder splice site prediction tools, this alteration is predicted to abolish the native splice donor site; however, direct evidence is unavailable. Alterations that disrupt the canonical splice site are expected to cause aberrant splicing, resulting in an abnormal protein or a transcript that is subject to nonsense-mediated mRNA decay. As such, this alteration is classified as likely pathogenic.

Literature cited by the submitters: PubMed 16199547 (cited by Labcorp Genetics (formerly Invitae), Labcorp); PubMed 24658001 (cited by Labcorp Genetics (formerly Invitae), Labcorp); PubMed 24658002 (cited by Labcorp Genetics (formerly Invitae), Labcorp); PubMed 23775540 (cited by Ambry Genetics); PubMed 24658004 (cited by Ambry Genetics); PubMed 30662543 (cited by Ambry Genetics).

NM_003072.5(SMARCA4):c.3546+1G>A

Gene: SMARCA4 (SWI/SNF related BAF chromatin remodeling complex subunit ATPase 4; plus strand). Cytogenetic location: 19p13.2.
Variant type: single nucleotide variant.
Coding change: c.3546+1G>A on transcript NM_003072.5 (MANE Select); the canonical splice donor site of the intron after coding-DNA position 3546, G replaced by A.
Molecular consequence: splice donor variant.
Genome position (GRCh38, 1-based): chr19:11,030,894, G>A. VCF-style: chr19-11030894-G-A. GRCh37 (hg19) VCF-style: chr19-11141570-G-A.
Other names: c.3546+1G>A (NM_001128844.3, NM_001128849.3, NM_001128847.4 and 6 more transcripts).
Identifiers: ClinVar variation 1065963 (VCV001065963.9), dbSNP rs2146603666, ClinGen allele CA404063621.